The following is an entry in ClinVar:

ClinVar aggregate classification (germline): Pathogenic (1 of 4 stars; one submission).

Submission:

Labcorp Genetics (formerly Invitae), Labcorp
Classification: Pathogenic. Last evaluated: 2022-11-01. Review status: criteria provided, single submitter. Criteria: Invitae Variant Classification Sherloc (09022015). Collection method: clinical testing. Allele origin: germline.
Comment: For these reasons, this variant has been classified as Pathogenic. This variant has not been reported in the literature in individuals affected with NFKB1-related conditions. This variant is not present in population databases (gnomAD no frequency). This sequence change creates a premature translational stop signal (p.Gly190Glufs*7) in the NFKB1 gene. It is expected to result in an absent or disrupted protein product. Loss-of-function variants in NFKB1 are known to be pathogenic (PMID: 26279205, 29477724).

Literature cited by the submitters: PubMed 26279205; PubMed 29477724.

NM_003998.4(NFKB1):c.569del (p.Gly190fs)

Gene: NFKB1 (nuclear factor kappa B subunit 1; plus strand). Cytogenetic location: 4q24.
Variant type: Deletion.
Coding change: c.569del on transcript NM_003998.4 (MANE Select); coding-DNA position 569, one base deleted (G; older notation c.569delG).
Protein change: p.Gly190fs; shifts the reading frame from glycine 190.
Molecular consequence: frameshift variant.
Genome position (GRCh38, 1-based): chr4:102,577,037, G deleted; the last of 3 consecutive G bases (chr4:102,577,035-102,577,037); deleting any one gives the same sequence. VCF-style (leftmost placement, unchanged base first): chr4-102577034-TG-T. GRCh37 (hg19) VCF-style: chr4-103498191-TG-T.
Other names: c.566del, p.Gly189fs (NM_001165412.2, NM_001319226.2, NM_001382627.1); c.569del, p.Gly190fs (NM_001382625.1, NM_001382626.1); c.527del, p.Gly176fs (NM_001382628.1); short protein forms G189fs, G190fs, G176fs.
Identifiers: ClinVar variation 2811294 (VCV002811294.3), dbSNP rs2476404144, ClinGen allele CA2739270192.
Genomic context (GRCh38, chr4:102,577,034, plus strand): 5'-GACTCTTGGTGCACCCTGACCTTGCCTATTTGCAAGCAGAAGGTGGAGGGGACCGGCAGC[TG>T]GGAGGTAAGCATCATTTTCCTGGCCTTGATCCTCCAAGGGGTCCAGGCTTTGGTTTTCAT-3'